The following is an entry in ClinVar:

ClinVar aggregate classification (germline): Uncertain significance (1 of 4 stars; one submission).

Conditions:
KDM6A-related disorder. Also called: KDM6A-related condition.

Submission:

PreventionGenetics, part of Exact Sciences
Classification: Uncertain significance for KDM6A-related condition. Last evaluated: 2026-08-03. Review status: criteria provided, single submitter. Criteria: ACMG Guidelines, 2015. Collection method: clinical testing. Allele origin: germline.
Comment: The KDM6A c.1927C>T variant is predicted to result in the amino acid substitution p.Leu643Phe. To our knowledge, this variant has not been reported in the literature or in a large population database (gnomAD), indicating this variant is rare. At this time, the clinical significance of this variant is uncertain due to the absence of conclusive functional and genetic evidence.

NM_001291415.2(KDM6A):c.2083C>T (p.Leu695Phe)

Gene: KDM6A (lysine demethylase 6A; plus strand). Cytogenetic location: Xp11.3.
Variant type: single nucleotide variant.
Coding change: c.2083C>T on transcript NM_001291415.2 (MANE Select); coding-DNA position 2083, C replaced by T.
Protein change: p.Leu695Phe; replaces leucine 695 with phenylalanine.
Molecular consequence: missense variant. On other transcripts: non-coding transcript variant (1).
Genome position (GRCh38, 1-based): chrX:45,069,582, C>T. VCF-style: chrX-45069582-C-T. GRCh37 (hg19) VCF-style: chrX-44928827-C-T.
Other names: c.1948C>T, p.Leu650Phe (NM_001291416.2, NM_001419811.1); c.1792C>T, p.Leu598Phe (NM_001291417.2); c.1690C>T, p.Leu564Phe (NM_001291418.2, NM_001419815.1); c.1039C>T, p.Leu347Phe (NM_001291421.2); c.1825C>T, p.Leu609Phe (NM_001410742.1, NM_001419814.1); c.2083C>T, p.Leu695Phe (NM_001419809.1); c.1981C>T, p.Leu661Phe (NM_001419810.1, NM_001419813.1); c.1927C>T, p.Leu643Phe (NM_001419812.1, NM_021140.4); short protein forms L609F, L650F, L661F, L347F, L564F, L695F, L598F, L643F.
Identifiers: ClinVar variation 4991054 (VCV004991054.1).